The following is an entry in ClinVar:

ClinVar aggregate classification (germline): Uncertain significance. Review status: criteria provided, multiple submitters, no conflicts (2 of 4 stars). 4 submissions from 4 submitters: Uncertain significance (4). Last evaluated 2025-07-07.

Conditions:
ANXA11-related disorder. Also called: ANXA11-related condition.
Amyotrophic lateral sclerosis type 23. Identifiers: MedGen C4693381, MONDO:0027694, OMIM 617839.

Allele frequency attached by ClinVar (database versions not stated): ExAC 0.00004; gnomAD 0.00006; ESP Exome Variant Server 0.00008; TOPMed 0.00011; 1000 Genomes Project 30x 0.00016; 1000 Genomes Project 0.00020.

Submissions (4):

PreventionGenetics, part of Exact Sciences
Classification: Uncertain significance for ANXA11-related condition. Last evaluated: 2025-07-07. Review status: criteria provided, single submitter. Criteria: ACMG Guidelines, 2015. Collection method: clinical testing. Allele origin: germline.
Comment: The ANXA11 c.904C>T variant is predicted to result in the amino acid substitution p.Arg302Cys. This variant has been reported in individuals with amyotrophic lateral sclerosis (Zhang et al. 2018. PubMed ID: 29845112; Table 2, Acosta-Uribe et al. 2022. PubMed ID: 35260199; Supplementary Table 1, Sung et al. 2022. PubMed ID: 36458208). This variant is reported in 0.040% of alleles in individuals of East Asian descent in gnomAD. At this time, the clinical significance of this variant is uncertain due to the absence of conclusive functional and genetic evidence.

Labcorp Genetics (formerly Invitae), Labcorp
Classification: Uncertain significance. Last evaluated: 2024-06-21. Review status: criteria provided, single submitter. Criteria: Invitae Variant Classification Sherloc (09022015). Collection method: clinical testing. Allele origin: germline.
Comment: This sequence change replaces arginine, which is basic and polar, with cysteine, which is neutral and slightly polar, at codon 302 of the ANXA11 protein (p.Arg302Cys). This variant is present in population databases (rs142183550, gnomAD 0.04%), and has an allele count higher than expected for a pathogenic variant. This missense change has been observed in individual(s) with clinical features of ANXA11-related conditions (PMID: 29845112, 35260199). ClinVar contains an entry for this variant (Variation ID: 1711861). An algorithm developed to predict the effect of missense changes on protein structure and function (PolyPhen-2) suggests that this variant is likely to be disruptive. In summary, the available evidence is currently insufficient to determine the role of this variant in disease. Therefore, it has been classified as a Variant of Uncertain Significance.

Mayo Clinic Laboratories, Mayo Clinic
Classification: Uncertain significance. Last evaluated: 2024-06-06. Review status: criteria provided, single submitter. Criteria: ACMG Guidelines, 2015. Collection method: clinical testing. Allele origin: germline. Observed: 1 variant allele.

Breda Genetics srl
Classification: Uncertain significance for Amyotrophic lateral sclerosis type 23. Last evaluated: 2022-07-15. Review status: criteria provided, single submitter. Criteria: ACMG Guidelines, 2015. Collection method: clinical testing. Allele origin: germline. Inheritance: Autosomal dominant inheritance. Affected: yes. Observed: 1 variant allele, 1 heterozygote.
Comment: Based on allele frequency, in-silico prediction scores and a certain overlap with the clinical phenotype, we interpreted this variant at least as of uncertain significance. The lack of one or more of the following features has discouraged further investigations: lack of a possible second hit in autosomal recessive conditions, presence of healthy controls in databases for autosomal dominant conditions, presence of unmatching cardinal clinical features in the patient or in the known gene-disease association, and/or variant type outside the known gene mutational spectrum.

Literature cited by the submitters: PubMed 29845112 (cited by Labcorp Genetics (formerly Invitae), Labcorp and Mayo Clinic Laboratories, Mayo Clinic); PubMed 35260199 (cited by Labcorp Genetics (formerly Invitae), Labcorp and Mayo Clinic Laboratories, Mayo Clinic); PubMed 32344647 (cited by Mayo Clinic Laboratories, Mayo Clinic); PubMed 33218681 (cited by Mayo Clinic Laboratories, Mayo Clinic); PubMed 36458208 (cited by Mayo Clinic Laboratories, Mayo Clinic).

NM_145868.2(ANXA11):c.904C>T (p.Arg302Cys)

Gene: ANXA11 (annexin A11; minus strand). Cytogenetic location: 10q22.3.
Variant type: single nucleotide variant.
Coding change: c.904C>T on transcript NM_145868.2 (MANE Select); coding-DNA position 904, C replaced by T.
Protein change: p.Arg302Cys; replaces arginine 302 with cysteine.
Molecular consequence: missense variant.
Genome position (GRCh38, 1-based): chr10:80,164,098, G>A on the plus strand (C>T on the coding strand, the complement: ANXA11 is on the minus strand). VCF-style: chr10-80164098-G-A. GRCh37 (hg19) VCF-style: chr10-81923854-G-A.
Other names: p.Arg302Cys; c.904C>T (NM_145869.1); c.904C>T, p.Arg302Cys (NM_001157.3, NM_001278407.2, NM_001278408.2 and 1 more transcripts); c.805C>T, p.Arg269Cys (NM_001278409.2); short protein forms R269C, R302C.
Identifiers: ClinVar variation 1711861 (VCV001711861.7), dbSNP rs142183550, ClinGen allele CA5576031.